The following is an entry in ClinVar:

ClinVar aggregate classification (germline): Pathogenic (1 of 4 stars; one submission).

Submission:

GeneDx
Classification: Pathogenic. Last evaluated: 2023-08-04. Review status: criteria provided, single submitter. Criteria: GeneDx Variant Classification Process June 2021. Collection method: clinical testing. Allele origin: germline. Affected: yes.
Comment: Frameshift variant predicted to result in protein truncation or nonsense mediated decay in a gene for which loss of function is a known mechanism of disease; Not observed at significant frequency in large population cohorts (gnomAD); Has not been previously published as pathogenic or benign to our knowledge

NM_000276.4(OCRL):c.533dup (p.Pro179fs)

Gene: OCRL (OCRL inositol polyphosphate-5-phosphatase; plus strand). Cytogenetic location: Xq26.1.
Variant type: Duplication.
Coding change: c.533dup on transcript NM_000276.4 (MANE Select); coding-DNA position 533, one base duplicated (C; older notation c.533dupC).
Protein change: p.Pro179fs; shifts the reading frame from proline 179.
Molecular consequence: frameshift variant.
Genome position (GRCh38, 1-based): chrX:129,558,726, C duplicated; the last of 5 consecutive C bases (chrX:129,558,722-129,558,726); duplicating any one gives the same sequence. VCF-style (leftmost placement, unchanged base first): chrX-129558721-A-AC. GRCh37 (hg19) VCF-style: chrX-128692698-A-AC.
Other names: c.536dup, p.Pro180fs (NM_001318784.2); c.533dup, p.Pro179fs (NM_001587.4); c.533dupC (NM_000276.3); c.533dup (NM_000276.3); short protein forms P180fs, P179fs.
Identifiers: ClinVar variation 817407 (VCV000817407.3), dbSNP rs1602782082, ClinGen allele CA915952381.